The following is an entry in ClinVar:

NC_000020.10:g.(?_32319828)_(32379323_?)del

Gene: ZNF341 (zinc finger protein 341; plus strand). Cytogenetic location: 20q11.22.
Variant type: Deletion.
Identifiers: ClinVar variation 3248356 (VCV003248356.1).

ClinVar aggregate classification (germline): Pathogenic (1 of 4 stars; one submission).

Submission:

Labcorp Genetics (formerly Invitae), Labcorp
Classification: Pathogenic. Last evaluated: 2023-07-18. Review status: criteria provided, single submitter. Criteria: Invitae Variant Classification Sherloc (09022015). Collection method: clinical testing. Allele origin: unknown.
Comment: For these reasons, this variant has been classified as Pathogenic. This variant has not been reported in the literature in individuals affected with ZNF341-related conditions. A gross deletion of the genomic region encompassing the full coding sequence of the ZNF341 gene has been identified. Loss-of-function variants in ZNF341 are known to be pathogenic (PMID: 29907690, 29907691). The boundaries of this event are unknown as they extend beyond the assayed region for this gene and therefore may encompass additional genes.

Literature cited by the submitters: PubMed 29907690; PubMed 29907691.